The following is an entry in ClinVar:

ClinVar aggregate classification (germline): Uncertain significance. Review status: criteria provided, multiple submitters, no conflicts (2 of 4 stars). 3 submissions from 3 submitters: Uncertain significance (3). Last evaluated 2025-01-06.

Conditions:
Inborn genetic diseases. Identifiers: MedGen C0950123, MeSH D030342.

Allele frequency attached by ClinVar (database versions not stated): TOPMed below 0.00001; ExAC 0.00001; gnomAD exomes 0.00001.
gnomAD v4.1: 8 of 1,614,182 alleles (0.0005%); highest among the groups gnomAD compares: Admixed American, 0.0017%; no homozygotes.

Submissions (3):

Labcorp Genetics (formerly Invitae), Labcorp
Classification: Uncertain significance. Last evaluated: 2025-01-06. Review status: criteria provided, single submitter. Criteria: Invitae Variant Classification Sherloc (09022015). Collection method: clinical testing. Allele origin: germline.
Comment: This sequence change replaces valine, which is neutral and non-polar, with alanine, which is neutral and non-polar, at codon 323 of the CYP4V2 protein (p.Val323Ala). This variant is present in population databases (rs747139135, gnomAD 0.002%). This variant has not been reported in the literature in individuals affected with CYP4V2-related conditions. ClinVar contains an entry for this variant (Variation ID: 862693). Invitae Evidence Modeling of protein sequence and biophysical properties (such as structural, functional, and spatial information, amino acid conservation, physicochemical variation, residue mobility, and thermodynamic stability) indicates that this missense variant is expected to disrupt CYP4V2 protein function with a positive predictive value of 80%. In summary, the available evidence is currently insufficient to determine the role of this variant in disease. Therefore, it has been classified as a Variant of Uncertain Significance.

Blueprint Genetics
Classification: Uncertain significance. Last evaluated: 2024-05-09. Review status: criteria provided, single submitter. Criteria: ACMG Guidelines, 2015. Collection method: clinical testing. Allele origin: germline.

Ambry Genetics
Classification: Uncertain significance for Inborn genetic diseases. Last evaluated: 2024-01-03. Review status: criteria provided, single submitter. Criteria: Ambry Variant Classification Scheme 2023. Collection method: clinical testing. Allele origin: germline.

NM_207352.4(CYP4V2):c.968T>C (p.Val323Ala)

Gene: CYP4V2 (cytochrome P450 family 4 subfamily V member 2; plus strand). Cytogenetic location: 4q35.2.
Variant type: single nucleotide variant.
Coding change: c.968T>C on transcript NM_207352.4 (MANE Select); coding-DNA position 968, T replaced by C.
Protein change: p.Val323Ala; replaces valine 323 with alanine.
Molecular consequence: missense variant.
Genome position (GRCh38, 1-based): chr4:186,201,323, T>C. VCF-style: chr4-186201323-T-C. GRCh37 (hg19) VCF-style: chr4-187122477-T-C.
Other names: short protein forms V323A.
Identifiers: ClinVar variation 862693 (VCV000862693.10), dbSNP rs747139135, ClinGen allele CA3162699.